The following is an entry in ClinVar:

NM_007294.4(BRCA1):c.3040A>G (p.Met1014Val)

Gene: BRCA1 (BRCA1 DNA repair associated; minus strand). Cytogenetic location: 17q21.31.
Variant type: single nucleotide variant.
Coding change: c.3040A>G on transcript NM_007294.4 (MANE Select); coding-DNA position 3040, A replaced by G.
Protein change: p.Met1014Val; replaces methionine 1014 with valine.
Molecular consequence: missense variant. On other transcripts: intron variant (137).
Genome position (GRCh38, 1-based): chr17:43,092,491, T>C on the plus strand (A>G on the coding strand, the complement: BRCA1 is on the minus strand). VCF-style: chr17-43092491-T-C. GRCh37 (hg19) VCF-style: chr17-41244508-T-C.
Other names: c.665-1459A>G (NM_001408425.1, NM_001408440.1, NM_001408428.1 and 12 more transcripts); c.671-1459A>G (NM_001408419.1, NM_001408422.1, NM_001408418.1 and 2 more transcripts); c.788-1459A>G (NM_001408403.1, NM_001407983.1, NM_001407975.1 and 17 more transcripts); c.791-1468A>G (NM_001408406.1); c.647-1459A>G (NM_001408456.1, NM_001408410.1, NM_001408458.1 and 11 more transcripts); c.644-1459A>G (NM_001408465.1, NM_001408463.1, NM_001408462.1 and 3 more transcripts); c.578-1459A>G (NM_001408482.1, NM_001408484.1, NM_001408478.1 and 9 more transcripts); c.521-1459A>G (NM_001408504.1, NM_001408503.1, NM_001408505.1); and 41 more; short protein forms M1014V, M967V, M1011V, M972V, M987V, M846V, M903V, M1013V.
Identifiers: ClinVar variation 54759 (VCV000054759.14), dbSNP rs80356933, ClinGen allele CA001997.

ClinVar aggregate classification (germline): Conflicting classifications of pathogenicity. Review status: criteria provided, conflicting classifications (1 of 4 stars). 3 submissions from 3 submitters: Uncertain significance (1); Likely benign (1). 1 of the submissions does not count toward it. Last evaluated 2025-11-11.

Conditions:
Hereditary cancer-predisposing syndrome. Also called: Tumor predisposition; Neoplastic Syndromes, Hereditary; Hereditary Cancer Syndrome; Hereditary neoplastic syndrome. Identifiers: Orphanet 140162, MedGen C0027672, MeSH D009386, MONDO:0015356.
Hereditary breast ovarian cancer syndrome. Also called: Hereditary breast and ovarian cancer syndrome (HBOC); Hereditary breast and ovarian cancer syndrome; Hereditary breast and ovarian cancer; Hereditary breast and/or ovarian cancer syndrome; Breast and ovarian cancer; BRCA1- and BRCA2-Associated Hereditary Breast and Ovarian Cancer. Identifiers: Orphanet 145, MedGen C0677776, MeSH D061325, MONDO:0003582. Disease mechanism: loss of function.
Breast-ovarian cancer, familial, susceptibility to, 1 (BROVCA1). Also called: OVARIAN CANCER, SUSCEPTIBILITY TO; BRCA1 Hereditary Breast and Ovarian Cancer. Identifiers: Orphanet 145, MedGen C2676676, MONDO:0011450, OMIM 604370. Disease mechanism: loss of function.

Submissions (3):

Labcorp Genetics (formerly Invitae), Labcorp
Classification: Uncertain significance for Hereditary breast ovarian cancer syndrome. Last evaluated: 2025-11-11. Review status: criteria provided, single submitter. Criteria: Invitae Variant Classification Sherloc (09022015). Collection method: clinical testing. Allele origin: germline.
Comment: This sequence change replaces methionine, which is neutral and non-polar, with valine, which is neutral and non-polar, at codon 1014 of the BRCA1 protein (p.Met1014Val). This variant is not present in population databases (gnomAD no frequency). This missense change has been observed in individual(s) with pancreatic cancer and a personal and family history of breast and ovarian cancer (PMID: 27062684, 31432501). ClinVar contains an entry for this variant (Variation ID: 54759). Invitae Evidence Modeling of protein sequence and biophysical properties (such as structural, functional, and spatial information, amino acid conservation, physicochemical variation, residue mobility, and thermodynamic stability) indicates that this missense variant is not expected to disrupt BRCA1 protein function with a negative predictive value of 80%. In summary, the available evidence is currently insufficient to determine the role of this variant in disease. Therefore, it has been classified as a Variant of Uncertain Significance.

University of Washington Department of Laboratory Medicine, University of Washington
Classification: Likely benign for Hereditary cancer-predisposing syndrome. Last evaluated: 2023-03-23. Review status: criteria provided, single submitter. Criteria: Dines et al. (Genet Med. 2020). Collection method: curation. Allele origin: germline.
Comment: Missense variant in a coldspot region where missense variants are very unlikely to be pathogenic (PMID:31911673).

BRCA1 coldspot (exon 11 using historical exon numbering). Reclassification based on statistical prior probability

Breast Cancer Information Core (BIC) (BRCA1)
Classification: Uncertain significance for Breast-ovarian cancer, familial 1. Review status: no assertion criteria provided. Collection method: clinical testing. Allele origin: germline. Affected: yes. Observed: 1 variant allele. Not counted in ClinVar's aggregate classification.

Literature cited by the submitters: PubMed 27062684 (cited by Labcorp Genetics (formerly Invitae), Labcorp); PubMed 31432501 (cited by Labcorp Genetics (formerly Invitae), Labcorp).